The following is an entry in ClinVar:

NM_005204.4(MAP3K8):c.504+6T>C

Gene: MAP3K8 (mitogen-activated protein kinase kinase kinase 8; plus strand). Cytogenetic location: 10p11.23.
Variant type: single nucleotide variant.
Coding change: c.504+6T>C on transcript NM_005204.4 (MANE Select); 6 bases into the intron after coding-DNA position 504, T replaced by C.
Molecular consequence: intron variant.
Genome position (GRCh38, 1-based): chr10:30,447,955, T>C. VCF-style: chr10-30447955-T-C. GRCh37 (hg19) VCF-style: chr10-30736884-T-C.
Other names: c.504+6T>C (NM_001244134.1, NM_001320961.2).
Identifiers: ClinVar variation 2002642 (VCV002002642.4), dbSNP rs1376727493, ClinGen allele CA592449325.
Genomic context (GRCh38, chr10:30,447,955, plus strand): 5'-AAAGGTATACTTGGCACAAGATATAAAGACGAAGAAAAGAATGGCGTGTAAACTGGTATG[T>C]GTTTTCTACCTAGATAACCCACACTGTGTGTTTGGCATTCTGGCTTTTGTTTTTTTGTCC-3'

ClinVar aggregate classification (germline): Uncertain significance (1 of 4 stars; one submission).

Allele frequency attached by ClinVar (database versions not stated): gnomAD 0.00001; gnomAD exomes below 0.00001.
gnomAD v4.1: 2 of 1,599,218 alleles (0.00013%); highest among the groups gnomAD compares: East Asian, 0.0045%; no homozygotes.

Submission:

Labcorp Genetics (formerly Invitae), Labcorp
Classification: Uncertain significance. Last evaluated: 2025-05-22. Review status: criteria provided, single submitter. Criteria: Invitae Variant Classification Sherloc (09022015). Collection method: clinical testing. Allele origin: germline.
Comment: This sequence change falls in intron 4 of the MAP3K8 gene. It does not directly change the encoded amino acid sequence of the MAP3K8 protein. It affects a nucleotide within the consensus splice site. This variant is present in population databases (no rsID available, gnomAD 0.06%). This variant has not been reported in the literature in individuals affected with MAP3K8-related conditions. ClinVar contains an entry for this variant (Variation ID: 2002642). Variants that disrupt the consensus splice site are a relatively common cause of aberrant splicing (PMID: 17576681, 9536098). Algorithms developed to predict the effect of sequence changes on RNA splicing suggest that this variant is not likely to affect RNA splicing. In summary, the available evidence is currently insufficient to determine the role of this variant in disease. Therefore, it has been classified as a Variant of Uncertain Significance.

Literature cited by the submitters: PubMed 17576681; PubMed 9536098.